The following is an entry in ClinVar:

NM_015340.4(LARS2):c.416C>T (p.Ala139Val)

Gene: LARS2 (leucyl-tRNA synthetase 2, mitochondrial; plus strand). Cytogenetic location: 3p21.31.
Variant type: single nucleotide variant.
Coding change: c.416C>T on transcript NM_015340.4 (MANE Select); coding-DNA position 416, C replaced by T.
Protein change: p.Ala139Val; replaces alanine 139 with valine.
Molecular consequence: missense variant.
Genome position (GRCh38, 1-based): chr3:45,417,534, C>T. VCF-style: chr3-45417534-C-T. GRCh37 (hg19) VCF-style: chr3-45459026-C-T.
Other names: c.416C>T, p.Ala139Val (NM_001368263.1); short protein forms A139V.
Identifiers: ClinVar variation 505536 (VCV000505536.4), dbSNP rs1553628118, ClinGen allele CA352976642.
Genomic context (GRCh38, chr3:45,417,534, plus strand): 5'-GGTCCTAGGTCATCAACCCCATGGGATGGGATGCTTTTGGATTGCCTGCTGAAAATGCCG[C>T]AGTCGAGAGGAATCTACATCCACAAAGTTGGACACAAAGGTAAGTGTTTACAGGCATATT-3'
Protein context (NP_056155.1, residues 129-149): DAFGLPAENA[Ala139Val]VERNLHPQSW

ClinVar aggregate classification (germline): Uncertain significance (1 of 4 stars; one submission).

Allele frequency attached by ClinVar (database versions not stated): gnomAD exomes below 0.00001; TOPMed below 0.00001.
gnomAD v4.1: 1 of 1,614,104 alleles (0.000062%); highest among the groups gnomAD compares: Middle Eastern, 0.016%; no homozygotes.

Submission:

Laboratory for Molecular Medicine, Mass General Brigham Personalized Medicine
Classification: Uncertain significance. Last evaluated: 2017-03-02. Review status: criteria provided, single submitter. Criteria: LMM Criteria. Collection method: clinical testing. Allele origin: germline. Observed: 1 variant allele.
Comment: The p.Ala139Val variant in LARS2 has not been previously reported in individuals with hearing loss or Perrault syndrome or in large population studies. Computat ional prediction tools and conservation analysis suggest that the p.Ala139Val va riant may impact the protein, though this information is not predictive enough t o determine pathogenicity. In summary, the clinical significance of the p.Ala139 Val variant is uncertain.